The following is an entry in ClinVar:

NM_001430.5(EPAS1):c.916C>G (p.Gln306Glu)

Gene: EPAS1 (endothelial PAS domain protein 1; plus strand). Cytogenetic location: 2p21.
Variant type: single nucleotide variant.
Coding change: c.916C>G on transcript NM_001430.5 (MANE Select); coding-DNA position 916, C replaced by G.
Protein change: p.Gln306Glu; replaces glutamine 306 with glutamic acid.
Molecular consequence: missense variant.
Genome position (GRCh38, 1-based): chr2:46,375,719, C>G. VCF-style: chr2-46375719-C-G. GRCh37 (hg19) VCF-style: chr2-46602858-C-G.
Other names: short protein forms Q306E.
Identifiers: ClinVar variation 2456412 (VCV002456412.2), dbSNP rs1029012145, ClinGen allele CA46558272.

ClinVar aggregate classification (germline): Uncertain significance (1 of 4 stars; one submission).

Conditions:
Inborn genetic diseases. Identifiers: MedGen C0950123, MeSH D030342.

Allele frequency attached by ClinVar (database versions not stated): gnomAD exomes below 0.00001.
gnomAD v4.1: 6 of 1,614,168 alleles (0.00037%); highest among the groups gnomAD compares: Non-Finnish European, 0.00051%; no homozygotes.

Submission:

Ambry Genetics
Classification: Uncertain significance for Inborn genetic diseases. Last evaluated: 2022-12-18. Review status: criteria provided, single submitter. Criteria: Ambry Variant Classification Scheme 2023. Collection method: clinical testing. Allele origin: germline.
Comment: The p.Q306E variant (also known as c.916C>G), located in coding exon 8 of the EPAS1 gene, results from a C to G substitution at nucleotide position 916. The glutamine at codon 306 is replaced by glutamic acid, an amino acid with highly similar properties. This amino acid position is conserved. In addition, the in silico prediction for this alteration is inconclusive. Since supporting evidence is limited at this time, the clinical significance of this alteration remains unclear.